The following is an entry in ClinVar:

NM_000051.4(ATM):c.5153T>A (p.Leu1718Gln)

Gene: ATM (ATM serine/threonine kinase; plus strand). Cytogenetic location: 11q22.3.
Variant type: single nucleotide variant.
Coding change: c.5153T>A on transcript NM_000051.4 (MANE Select); coding-DNA position 5153, T replaced by A.
Protein change: p.Leu1718Gln; replaces leucine 1718 with glutamine.
Molecular consequence: missense variant.
Genome position (GRCh38, 1-based): chr11:108,299,861, T>A. VCF-style: chr11-108299861-T-A. GRCh37 (hg19) VCF-style: chr11-108170588-T-A.
Other names: c.5153T>A, p.Leu1718Gln (NM_001351834.2); short protein forms L1718Q.
Identifiers: ClinVar variation 489555 (VCV000489555.11), dbSNP rs1555104784, ClinGen allele CA382541057.

ClinVar aggregate classification (germline): Uncertain significance. Review status: criteria provided, multiple submitters, no conflicts (2 of 4 stars). 2 submissions from 2 submitters: Uncertain significance (2). Last evaluated 2022-02-20.

Conditions:
Hereditary cancer-predisposing syndrome. Also called: Tumor predisposition; Neoplastic Syndromes, Hereditary; Hereditary Cancer Syndrome; Hereditary neoplastic syndrome. Identifiers: Orphanet 140162, MedGen C0027672, MeSH D009386, MONDO:0015356.
Ataxia-telangiectasia syndrome (AT). Also called: Ataxia-telangiectasia; Ataxia-telangiectasia, complementation group D; AT, COMPLEMENTATION GROUP C; LOUIS-BAR SYNDROME; Cerebello-oculocutaneous telangiectasia; Immunodeficiency with ataxia telangiectasia. Identifiers: Orphanet 100, MedGen C0004135, MONDO:0008840, OMIM 208900.

Submissions (2):

Labcorp Genetics (formerly Invitae), Labcorp
Classification: Uncertain significance for Ataxia-telangiectasia syndrome. Last evaluated: 2022-02-20. Review status: criteria provided, single submitter. Criteria: Invitae Variant Classification Sherloc (09022015). Collection method: clinical testing. Allele origin: germline.
Comment: In summary, the available evidence is currently insufficient to determine the role of this variant in disease. Therefore, it has been classified as a Variant of Uncertain Significance. Algorithms developed to predict the effect of sequence changes on RNA splicing suggest that this variant may create or strengthen a splice site. Algorithms developed to predict the effect of missense changes on protein structure and function are either unavailable or do not agree on the potential impact of this missense change (SIFT: "Deleterious"; PolyPhen-2: "Probably Damaging"; Align-GVGD: "Class C0"). ClinVar contains an entry for this variant (Variation ID: 489555). This variant has not been reported in the literature in individuals affected with ATM-related conditions. This variant is not present in population databases (gnomAD no frequency). This sequence change replaces leucine, which is neutral and non-polar, with glutamine, which is neutral and polar, at codon 1718 of the ATM protein (p.Leu1718Gln).

Color Diagnostics, LLC DBA Color Health
Classification: Uncertain significance for Hereditary cancer-predisposing syndrome. Last evaluated: 2016-07-11. Review status: criteria provided, single submitter. Criteria: ACMG Guidelines, 2015. Collection method: clinical testing. Allele origin: germline.